The following is an entry in ClinVar:

NM_016816.4(OAS1):c.280C>T (p.Arg94Cys)

Gene: OAS1 (2'-5'-oligoadenylate synthetase 1; plus strand). Cytogenetic location: 12q24.13.
Variant type: single nucleotide variant.
Coding change: c.280C>T on transcript NM_016816.4 (MANE Select); coding-DNA position 280, C replaced by T.
Protein change: p.Arg94Cys; replaces arginine 94 with cysteine.
Molecular consequence: missense variant. On other transcripts: non-coding transcript variant (9), intron variant (4).
Genome position (GRCh38, 1-based): chr12:112,908,635, C>T. VCF-style: chr12-112908635-C-T. GRCh37 (hg19) VCF-style: chr12-113346440-C-T.
Other names: c.280C>T, p.Arg94Cys (NM_001032409.3, NM_001320151.2, NM_001406020.1 and 7 more transcripts); c.180+1416C>T (NM_001406030.1, NM_001406029.1, NM_001406027.1 and 1 more transcripts); short protein forms R94C.
Identifiers: ClinVar variation 2866242 (VCV002866242.4), dbSNP rs775098125, ClinGen allele CA386800286.

ClinVar aggregate classification (germline): Likely benign. Review status: criteria provided, multiple submitters, no conflicts (2 of 4 stars). 2 submissions from 2 submitters: Likely benign (2). Last evaluated 2026-08-01.

Allele frequency attached by ClinVar (database versions not stated): gnomAD exomes 0.00001.
gnomAD v4.1: 18 of 1,614,046 alleles (0.0011%); highest among the groups gnomAD compares: Admixed American, 0.0017%; no homozygotes.

Submissions (2):

CeGaT Center for Human Genetics Tuebingen
Classification: Likely benign. Last evaluated: 2026-08-01. Review status: criteria provided, single submitter. Criteria: CeGaT Center For Human Genetics Tuebingen Variant Classification Criteria Version 2. Collection method: clinical testing. Allele origin: germline. Affected: yes. Observed: 1 variant allele.
Comment: OAS1: BP4, BS1

Labcorp Genetics (formerly Invitae), Labcorp
Classification: Likely benign. Last evaluated: 2024-10-24. Review status: criteria provided, single submitter. Criteria: Invitae Variant Classification Sherloc (09022015). Collection method: clinical testing. Allele origin: germline.